The following is an entry in ClinVar:

ClinVar aggregate classification (germline): Uncertain significance (1 of 4 stars; one submission).

Submission:

Ambry Genetics
Classification: Uncertain significance. Last evaluated: 2025-06-13. Review status: criteria provided, single submitter. Criteria: Ambry Variant Classification Scheme 2023. Collection method: clinical testing. Allele origin: germline.
Comment: The p.S1469N variant (also known as c.4406G>A), located in coding exon 19 of the WNK2 gene, results from a G to A substitution at nucleotide position 4406. The serine at codon 1469 is replaced by asparagine, an amino acid with highly similar properties. This amino acid position is conserved. In addition, this alteration is predicted to be tolerated by in silico analysis. Based on the available evidence, the clinical significance of this variant remains unclear.

NM_006648.4(WNK2):c.4406G>A (p.Ser1469Asn)

Gene: WNK2 (WNK lysine deficient protein kinase 2; plus strand). Cytogenetic location: 9q22.31.
Variant type: single nucleotide variant.
Coding change: c.4406G>A on transcript NM_006648.4 (MANE Select); coding-DNA position 4406, G replaced by A.
Protein change: p.Ser1469Asn; replaces serine 1469 with asparagine.
Molecular consequence: missense variant.
Genome position (GRCh38, 1-based): chr9:93,289,160, G>A. VCF-style: chr9-93289160-G-A. GRCh37 (hg19) VCF-style: chr9-96051442-G-A.
Other names: c.4517G>A, p.Ser1506Asn (NM_001282394.3); short protein forms S1469N, S1506N.
Identifiers: ClinVar variation 3982211 (VCV003982211.1).